The following is an entry in ClinVar:

ClinVar aggregate classification (germline): Pathogenic (1 of 4 stars; one submission).

Conditions:
Dystonia 5 (DRD). Also called: DYT-GCH1; DYSTONIA, PROGRESSIVE, WITH DIURNAL VARIATION; DYSTONIA-PARKINSONISM WITH DIURNAL FLUCTUATION; GTP Cyclohydrolase 1-Deficient Dopa-Responsive Dystonia; Dystonia, DOPA-responsive, with or without hyperphenylalaninemia. Identifiers: Orphanet 98808, MedGen C1851920, MONDO:0007495, OMIM 128230.
GTP cyclohydrolase I deficiency. Identifiers: MedGen C0268467, MONDO:0100184.

Submission:

Labcorp Genetics (formerly Invitae), Labcorp
Classification: Pathogenic for GTP cyclohydrolase I deficiency; Dystonia 5. Last evaluated: 2023-08-04. Review status: criteria provided, single submitter. Criteria: Invitae Variant Classification Sherloc (09022015). Collection method: clinical testing. Allele origin: germline.
Comment: For these reasons, this variant has been classified as Pathogenic. This variant disrupts a region of the GCH1 protein in which other variant(s) (p.Gly203Arg) have been determined to be pathogenic (PMID: 8852666, 11486899, 19332422, 20082337, 20108370, 20491893, 23211702). This suggests that this is a clinically significant region of the protein, and that variants that disrupt it are likely to be disease-causing. A similar copy number variant has been observed in individual(s) with dopa-responsive dystonia (PMID: 17111153). This variant is a gross deletion of the genomic region encompassing exon(s) 4-6 of the GCH1 gene, which includes the termination codon. This deletion extends beyond the assayed region for this gene and therefore may encompass additional genes. While this deletion is not anticipated to lead to nonsense mediated decay, it is expected to alter mRNA translation or result in a truncated protein product.

Literature cited by the submitters: PubMed 8852666; PubMed 11486899; PubMed 19332422; PubMed 20082337; PubMed 20108370; PubMed 20491893; PubMed 23211702; PubMed 17111153.

NC_000014.8:g.(?_55310735)_(55313868_?)del

Gene: GCH1 (GTP cyclohydrolase 1; minus strand). Cytogenetic location: 14q22.2.
Variant type: Deletion.
Identifiers: ClinVar variation 1454630 (VCV001454630.4).